The following is an entry in ClinVar:

NM_000059.4(BRCA2):c.4593_4594del (p.Lys1531fs)

Gene: BRCA2 (BRCA2 DNA repair associated; plus strand). Cytogenetic location: 13q13.1.
Variant type: Deletion.
Coding change: c.4593_4594del on transcript NM_000059.4 (MANE Select); coding-DNA positions 4593 to 4594, 2 bases deleted (AG; older notation c.4593_4594delAG).
Protein change: p.Lys1531fs; shifts the reading frame from lysine 1531.
Molecular consequence: frameshift variant.
Genome position (GRCh38, 1-based): chr13:32,338,948-32,338,949, AG deleted. VCF-style (leftmost placement, unchanged base first): chr13-32338947-AAG-A. GRCh37 (hg19) VCF-style: chr13-32913084-AAG-A.
Other names: short protein forms K1531fs.
Identifiers: ClinVar variation 843970 (VCV000843970.13), dbSNP rs2072508654, ClinGen allele CA916080550.

ClinVar aggregate classification (germline): Pathogenic/Likely pathogenic. Review status: criteria provided, multiple submitters, no conflicts (2 of 4 stars). 3 submissions from 3 submitters: Pathogenic (2); Likely pathogenic (1). Last evaluated 2024-06-27.

Conditions:
Breast-ovarian cancer, familial, susceptibility to, 2 (BROVCA2). Also called: BRCA2 Hereditary Breast and Ovarian Cancer. Identifiers: Orphanet 145, MedGen C2675520, MONDO:0012933, OMIM 612555. Disease mechanism: loss of function.
Hereditary breast ovarian cancer syndrome. Also called: Breast and ovarian cancer; Hereditary breast and/or ovarian cancer syndrome; Hereditary breast and ovarian cancer; Hereditary breast and ovarian cancer syndrome; BRCA1- and BRCA2-Associated Hereditary Breast and Ovarian Cancer; Hereditary breast and ovarian cancer syndrome (HBOC). Identifiers: Orphanet 145, MedGen C0677776, MeSH D061325, MONDO:0003582. Disease mechanism: loss of function.

Submissions (3):

Myriad Genetics, Inc.
Classification: Pathogenic for Breast-ovarian cancer, familial, susceptibility to, 2. Last evaluated: 2024-06-27. Review status: criteria provided, single submitter. Criteria: Myriad Autosomal Dominant, Autosomal Recessive and X-Linked Classification Criteria (2023). Collection method: clinical testing. Allele origin: unknown.
Comment: This variant is considered pathogenic. This variant creates a frameshift predicted to result in premature protein truncation.

Labcorp Genetics (formerly Invitae), Labcorp
Classification: Pathogenic for Hereditary breast ovarian cancer syndrome. Last evaluated: 2022-03-08. Review status: criteria provided, single submitter. Criteria: Invitae Variant Classification Sherloc (09022015). Collection method: clinical testing. Allele origin: germline.
Comment: ClinVar contains an entry for this variant (Variation ID: 843970). For these reasons, this variant has been classified as Pathogenic. This variant has not been reported in the literature in individuals affected with BRCA2-related conditions. This variant is not present in population databases (gnomAD no frequency). This sequence change creates a premature translational stop signal (p.Lys1531Asnfs*2) in the BRCA2 gene. It is expected to result in an absent or disrupted protein product. Loss-of-function variants in BRCA2 are known to be pathogenic (PMID: 20104584).

Quest Diagnostics Nichols Institute San Juan Capistrano
Classification: Likely pathogenic. Last evaluated: 2021-03-19. Review status: criteria provided, single submitter. Criteria: Quest Diagnostics criteria. Collection method: clinical testing. Allele origin: unknown.
Comment: This frameshift variant is predicted to cause the premature termination of BRCA2 protein synthesis. To the best of our knowledge, the variant has not been reported in the published literature. Based on the available information, this variant is classified as likely pathogenic.

Literature cited by the submitters: PubMed 20104584 (cited by Labcorp Genetics (formerly Invitae), Labcorp).